The following is an entry in ClinVar:

ClinVar aggregate classification (germline): Conflicting classifications of pathogenicity. Review status: criteria provided, conflicting classifications (1 of 4 stars). 8 submissions from 8 submitters: Uncertain significance (3); Benign (1); Likely benign (3). 1 of the submissions does not count toward it. Last evaluated 2026-01-14.

Conditions:
RECQL4-related disorder. Also called: RECQL4-related condition; RECQL4-related disorders.
Rothmund-Thomson syndrome type 2 (RTS2). Identifiers: Orphanet 221016, MedGen C5203410, MONDO:0016369, OMIM 268400.
Rapadilino syndrome. Identifiers: Orphanet 3021, MedGen C1849453, MONDO:0009955, OMIM 266280.
Baller-Gerold syndrome (BGS). Also called: CRANIOSYNOSTOSIS WITH RADIAL DEFECTS. Identifiers: Orphanet 1225, MedGen C0265308, MONDO:0009039, OMIM 218600.

Allele frequency attached by ClinVar (database versions not stated): ESP Exome Variant Server 0.00008; 1000 Genomes Project 0.00020; gnomAD 0.00022 and 0.00024; 1000 Genomes Project 30x 0.00031; TOPMed 0.00041; ExAC 0.00055; gnomAD exomes 0.00061.

Submissions (8):

Labcorp Genetics (formerly Invitae), Labcorp
Classification: Benign for Baller-Gerold syndrome. Last evaluated: 2026-01-14. Review status: criteria provided, single submitter. Criteria: Invitae Variant Classification Sherloc (09022015). Collection method: clinical testing. Allele origin: germline.

Mayo Clinic Laboratories, Mayo Clinic
Classification: Uncertain significance. Last evaluated: 2025-03-19. Review status: criteria provided, single submitter. Criteria: ACMG Guidelines, 2015. Collection method: clinical testing. Allele origin: germline. Observed: 1 variant allele.
Comment: BS1

Blueprint Genetics
Classification: Likely benign. Last evaluated: 2024-08-09. Review status: criteria provided, single submitter. Criteria: ACMG Guidelines, 2015. Collection method: clinical testing. Allele origin: germline.

KCCC/NGS Laboratory, Kuwait Cancer Control Center
Classification: Likely benign for Rothmund-Thomson syndrome type 2. Last evaluated: 2023-07-07. Review status: criteria provided, single submitter. Criteria: ACMG Guidelines, 2015. Collection method: clinical testing. Allele origin: germline. Affected: yes.

Baylor Genetics
Classification: Uncertain significance for Rothmund-Thomson syndrome type 2. Last evaluated: 2020-12-22. Review status: criteria provided, single submitter. Criteria: ACMG Guidelines, 2015. Collection method: clinical testing. Allele origin: unknown. Affected: yes. Study: CSER-TexasKidsCanSeq.
Comment: This variant was determined to be of uncertain significance according to ACMG Guidelines, 2015 [PMID:25741868].

Eurofins Ntd Llc (ga)
Classification: Likely benign. Last evaluated: 2015-03-11. Review status: criteria provided, single submitter. Criteria: EGL Classification Definitions 2015. Collection method: clinical testing. Allele origin: germline. Observed: 1 variant allele, 1 heterozygote.

Center for Genomics, Ann and Robert H. Lurie Children's Hospital of Chicago
Classification: Uncertain significance for Baller-Gerold syndrome; Rapadilino syndrome; Rothmund-Thomson syndrome type 2. Review status: criteria provided, single submitter. Criteria: ACMG Guidelines, 2015. Collection method: clinical testing. Allele origin: germline.
Comment: RECQL4 NM_004260.3 exon 17 Val985Met (c.2953G>A): This variant has not been reported in the literature but is present in 0.1% (19/15286) of Latino alleles in the Genome Aggregation Database. This variant is present in ClinVar (Variation ID:194743). This variant amino acid Methionine (Met) is present in 6 mammals and is not well conserved among evolutionarily distant species; this suggests that this variant may not impact the protein. Additional computational prediction tools do not suggest an impact. In summary, data on this variant is insufficient for disease classification. Therefore, the clinical significance of this variant is uncertain.

PreventionGenetics, part of Exact Sciences
Classification: Likely benign for RECQL4-related condition. Last evaluated: 2023-09-28. Review status: no assertion criteria provided. Collection method: clinical testing. Allele origin: germline. Not counted in ClinVar's aggregate classification.
Comment: This variant is classified as likely benign based on ACMG/AMP sequence variant interpretation guidelines (Richards et al. 2015 PMID: 25741868, with internal and published modifications).

NM_004260.4(RECQL4):c.2953G>A (p.Val985Met)

Gene: RECQL4 (RecQ like helicase 4; minus strand). Cytogenetic location: 8q24.3.
Variant type: single nucleotide variant.
Coding change: c.2953G>A on transcript NM_004260.4 (MANE Select); coding-DNA position 2953, G replaced by A.
Protein change: p.Val985Met; replaces valine 985 with methionine.
Molecular consequence: missense variant.
Genome position (GRCh38, 1-based): chr8:144,512,494, C>T on the plus strand (G>A on the coding strand, the complement: RECQL4 is on the minus strand). VCF-style: chr8-144512494-C-T. GRCh37 (hg19) VCF-style: chr8-145737877-C-T.
Other names: p.Val985Met; short protein forms V985M.
Identifiers: ClinVar variation 194743 (VCV000194743.23), dbSNP rs200629599, ClinGen allele CA201338.
Genomic context (GRCh38, chr8:144,512,494, plus strand): 5'-GCCGCACAGAGGCCAGCTCCCAGCCCATGGAGTCCACCAGCTTGACCATGTCAAACTCCA[C>T]GGAGCTGCTGCCTTGCCCTGGGTCCTCAGGCAGCTGCTGGGCCAAGCACACAGCCAAAGG-3'
Protein context (NP_004251.4, residues 975-995): PEDPGQGSSS[Val985Met]EFDMVKLVDS